The following is an entry in ClinVar:

ClinVar aggregate classification (germline): Uncertain significance (1 of 4 stars; one submission).

Conditions:
Neuroblastoma, susceptibility to, 3. Also called: ALK-Related Neuroblastic Tumor Susceptibility. Identifiers: Orphanet 635, MedGen C2751681, MONDO:0013083, OMIM 613014.

Submission:

Labcorp Genetics (formerly Invitae), Labcorp
Classification: Uncertain significance for Neuroblastoma, susceptibility to, 3. Last evaluated: 2024-06-21. Review status: criteria provided, single submitter. Criteria: Invitae Variant Classification Sherloc (09022015). Collection method: clinical testing. Allele origin: germline.
Comment: This sequence change replaces glycine, which is neutral and non-polar, with valine, which is neutral and non-polar, at codon 924 of the ALK protein (p.Gly924Val). This variant is not present in population databases (gnomAD no frequency). This variant has not been reported in the literature in individuals affected with ALK-related conditions. An algorithm developed to predict the effect of missense changes on protein structure and function (PolyPhen-2) suggests that this variant is likely to be disruptive. In summary, the available evidence is currently insufficient to determine the role of this variant in disease. Therefore, it has been classified as a Variant of Uncertain Significance.

NM_004304.5(ALK):c.2771G>T (p.Gly924Val)

Gene: ALK (ALK receptor tyrosine kinase; minus strand). Cytogenetic location: 2p23.2.
Variant type: single nucleotide variant.
Coding change: c.2771G>T on transcript NM_004304.5 (MANE Select); coding-DNA position 2771, G replaced by T.
Protein change: p.Gly924Val; replaces glycine 924 with valine.
Molecular consequence: missense variant.
Genome position (GRCh38, 1-based): chr2:29,228,928, C>A on the plus strand (G>T on the coding strand, the complement: ALK is on the minus strand). VCF-style: chr2-29228928-C-A. GRCh37 (hg19) VCF-style: chr2-29451794-C-A.
Other names: short protein forms G924V.
Identifiers: ClinVar variation 3608280 (VCV003608280.2).